The following is an entry in ClinVar:

ClinVar aggregate classification (germline): Uncertain significance (1 of 4 stars; one submission).

Conditions:
Pulmonary fibrosis and/or bone marrow failure, Telomere-related, 3. Also called: PULMONARY FIBROSIS AND/OR BONE MARROW FAILURE SYNDROME, TELOMERE-RELATED, 3. Identifiers: Orphanet 2032, MedGen C4225346, MONDO:0014613, OMIM 616373.
Dyskeratosis congenita, autosomal recessive 5 (DKCB5). Identifiers: MedGen C3554656, MONDO:0014076, OMIM 615190.

gnomAD v4.1: 1 of 1,613,428 alleles (0.000062%); highest among the groups gnomAD compares: Non-Finnish European, 0.000085%; no homozygotes.

Submission:

Labcorp Genetics (formerly Invitae), Labcorp
Classification: Uncertain significance for Dyskeratosis congenita, autosomal recessive 5; Pulmonary fibrosis and/or bone marrow failure, Telomere-related, 3. Last evaluated: 2025-03-31. Review status: criteria provided, single submitter. Criteria: Invitae Variant Classification Sherloc (09022015). Collection method: clinical testing. Allele origin: germline.
Comment: This sequence change replaces aspartic acid, which is acidic and polar, with tyrosine, which is neutral and polar, at codon 394 of the RTEL1 protein (p.Asp394Tyr). This variant is not present in population databases (gnomAD no frequency). This variant has not been reported in the literature in individuals affected with RTEL1-related conditions. An algorithm developed to predict the effect of missense changes on protein structure and function (PolyPhen-2) suggests that this variant is likely to be disruptive. In summary, the available evidence is currently insufficient to determine the role of this variant in disease. Therefore, it has been classified as a Variant of Uncertain Significance.

NM_001283009.2(RTEL1):c.1180G>T (p.Asp394Tyr)

Genes: RTEL1 (regulator of telomere elongation helicase 1; plus strand), RTEL1-TNFRSF6B (RTEL1-TNFRSF6B readthrough (NMD candidate); plus strand). Cytogenetic location: 20q13.33.
Variant type: single nucleotide variant.
Coding change: c.1180G>T on transcript NM_001283009.2 (MANE Select); coding-DNA position 1180, G replaced by T.
Protein change: p.Asp394Tyr; replaces aspartic acid 394 with tyrosine.
Molecular consequence: missense variant. On other transcripts: non-coding transcript variant (1).
Genome position (GRCh38, 1-based): chr20:63,680,708, G>T. VCF-style: chr20-63680708-G-T. GRCh37 (hg19) VCF-style: chr20-62312061-G-T.
Other names: c.511G>T, p.Asp171Tyr (NM_001283010.1); c.1180G>T, p.Asp394Tyr (NM_016434.4); c.1252G>T, p.Asp418Tyr (NM_032957.5); short protein forms D171Y, D418Y, D394Y.
Identifiers: ClinVar variation 4793976 (VCV004793976.1).